The following is an entry in ClinVar:

ClinVar aggregate classification (germline): Uncertain significance (1 of 4 stars; one submission).

Submission:

Labcorp Genetics (formerly Invitae), Labcorp
Classification: Uncertain significance. Last evaluated: 2025-06-08. Review status: criteria provided, single submitter. Criteria: Invitae Variant Classification Sherloc (09022015). Collection method: clinical testing. Allele origin: germline.
Comment: This sequence change replaces alanine, which is neutral and non-polar, with proline, which is neutral and non-polar, at codon 21 of the WNT1 protein (p.Ala21Pro). This variant is present in population databases (no rsID available, gnomAD 0.003%). This variant has not been reported in the literature in individuals affected with WNT1-related conditions. An algorithm developed to predict the effect of missense changes on protein structure and function (PolyPhen-2) suggests that this variant is likely to be disruptive. In summary, the available evidence is currently insufficient to determine the role of this variant in disease. Therefore, it has been classified as a Variant of Uncertain Significance.

NM_005430.4(WNT1):c.61G>C (p.Ala21Pro)

Gene: WNT1 (Wnt family member 1; plus strand). Cytogenetic location: 12q13.12.
Variant type: single nucleotide variant.
Coding change: c.61G>C on transcript NM_005430.4 (MANE Select); coding-DNA position 61, G replaced by C.
Protein change: p.Ala21Pro; replaces alanine 21 with proline.
Molecular consequence: missense variant.
Genome position (GRCh38, 1-based): chr12:48,978,711, G>C. VCF-style: chr12-48978711-G-C. GRCh37 (hg19) VCF-style: chr12-49372494-G-C.
Other names: short protein forms A21P.
Identifiers: ClinVar variation 4777688 (VCV004777688.1).